The following is an entry in ClinVar:

ClinVar aggregate classification (germline): Uncertain significance (1 of 4 stars; one submission).

Conditions:
Hypertrophic cardiomyopathy 13. Also called: TNNC1-Related Familial Hypertrophic Cardiomyopathy. Identifiers: MedGen C2750472, MONDO:0013195, OMIM 613243.
Dilated cardiomyopathy 1Z (CMD1Z). Identifiers: Orphanet 154, MedGen C2678475, MONDO:0012745, OMIM 611879.

Submission:

Labcorp Genetics (formerly Invitae), Labcorp
Classification: Uncertain significance for Hypertrophic cardiomyopathy 13; Dilated cardiomyopathy 1Z. Last evaluated: 2024-11-26. Review status: criteria provided, single submitter. Criteria: Invitae Variant Classification Sherloc (09022015). Collection method: clinical testing. Allele origin: germline.
Comment: This sequence change creates a premature translational stop signal (p.Asn18Lysfs*2) in the TNNC1 gene. It is expected to result in an absent or disrupted protein product. However, the current clinical and genetic evidence is not sufficient to establish whether loss-of-function variants in TNNC1 cause disease. This variant is not present in population databases (gnomAD no frequency). This variant has not been reported in the literature in individuals affected with TNNC1-related conditions. In summary, the available evidence is currently insufficient to determine the role of this variant in disease. Therefore, it has been classified as a Variant of Uncertain Significance.

NM_003280.3(TNNC1):c.53dup (p.Asn18fs)

Gene: TNNC1 (troponin C1, slow skeletal and cardiac type; minus strand). Cytogenetic location: 3p21.1.
Variant type: Duplication.
Coding change: c.53dup on transcript NM_003280.3 (MANE Select); coding-DNA position 53, one base duplicated (A; older notation c.53dupA).
Protein change: p.Asn18fs; shifts the reading frame from asparagine 18.
Molecular consequence: frameshift variant.
Genome position (GRCh38, 1-based): chr3:52,452,485, T duplicated on the plus strand (A on the coding strand, the reverse complement: TNNC1 is on the minus strand); the first of 5 consecutive T bases (chr3:52,452,485-52,452,489); duplicating any one gives the same sequence. VCF-style (leftmost placement, unchanged base first): chr3-52452484-A-AT. GRCh37 (hg19) VCF-style: chr3-52486500-A-AT.
Other names: short protein forms N18fs.
Identifiers: ClinVar variation 3761698 (VCV003761698.2).